The following is an entry in ClinVar:

NM_000719.7(CACNA1C):c.541T>C (p.Tyr181His)

Gene: CACNA1C (calcium voltage-gated channel subunit alpha1 C; plus strand). Cytogenetic location: 12p13.33.
Variant type: single nucleotide variant.
Coding change: c.541T>C on transcript NM_000719.7 (MANE Select); coding-DNA position 541, T replaced by C.
Protein change: p.Tyr181His; replaces tyrosine 181 with histidine.
Molecular consequence: missense variant.
Genome position (GRCh38, 1-based): chr12:2,449,039, T>C. VCF-style: chr12-2449039-T-C. GRCh37 (hg19) VCF-style: chr12-2558205-T-C.
Other names: c.541T>C, p.Tyr181His (NM_001129827.2, NM_001129829.2, NM_001129830.3 and 19 more transcripts); short protein forms Y181H.
Identifiers: ClinVar variation 849262 (VCV000849262.11), dbSNP rs2099328222, ClinGen allele CA383367407.

ClinVar aggregate classification (germline): Uncertain significance (1 of 4 stars; one submission).

Conditions:
Long QT syndrome (LQTS). Identifiers: MedGen C0023976, MeSH D008133, MONDO:0002442. Disease mechanism: loss of function. Inheritance: Various modes of inheritance.

Submission:

Labcorp Genetics (formerly Invitae), Labcorp
Classification: Uncertain significance for Long QT syndrome. Last evaluated: 2020-07-20. Review status: criteria provided, single submitter. Criteria: Invitae Variant Classification Sherloc (09022015). Collection method: clinical testing. Allele origin: germline.
Comment: In summary, the available evidence is currently insufficient to determine the role of this variant in disease. Therefore, it has been classified as a Variant of Uncertain Significance. Algorithms developed to predict the effect of missense changes on protein structure and function are either unavailable or do not agree on the potential impact of this missense change (SIFT: "Deleterious"; PolyPhen-2: "Probably Damaging"; Align-GVGD: "Class C0"). This variant has not been reported in the literature in individuals with CACNA1C-related conditions. This variant is not present in population databases (ExAC no frequency). This sequence change replaces tyrosine with histidine at codon 181 of the CACNA1C protein (p.Tyr181His). The tyrosine residue is moderately conserved and there is a moderate physicochemical difference between tyrosine and histidine.